The following is an entry in ClinVar:

NM_012144.4(DNAI1):c.520G>A (p.Glu174Lys)

Gene: DNAI1 (dynein axonemal intermediate chain 1; plus strand). Cytogenetic location: 9p13.3.
Variant type: single nucleotide variant.
Coding change: c.520G>A on transcript NM_012144.4 (MANE Select); coding-DNA position 520, G replaced by A.
Protein change: p.Glu174Lys; replaces glutamic acid 174 with lysine.
Molecular consequence: missense variant.
Genome position (GRCh38, 1-based): chr9:34,490,387, G>A. VCF-style: chr9-34490387-G-A. GRCh37 (hg19) VCF-style: chr9-34490385-G-A.
Other names: c.532G>A, p.Glu178Lys (NM_001281428.2); short protein forms E174K, E178K.
Identifiers: ClinVar variation 551835 (VCV000551835.17), dbSNP rs141157671, ClinGen allele CA5034094.

ClinVar aggregate classification (germline): Conflicting classifications of pathogenicity. Review status: criteria provided, conflicting classifications (1 of 4 stars). 4 submissions from 4 submitters: Uncertain significance (1); Likely benign (2). 1 of the submissions does not count toward it. Last evaluated 2025-09-14.

Conditions:
Kartagener syndrome (CILD1). Also called: IMMOTILE CILIA SYNDROME; POLYNESIAN BRONCHIECTASIS; Dextrocardia bronchiectasis and sinusitis; CILIARY DYSKINESIA, PRIMARY, 1; CILIARY DYSKINESIA, PRIMARY, 1, WITH OR WITHOUT SITUS INVERSUS; SIEWERT SYNDROME. Identifiers: Orphanet 244, MedGen C4551906, MONDO:0009484, OMIM 244400.
Primary ciliary dyskinesia. Also called: Ciliary dyskinesia. Identifiers: Orphanet 244, MedGen C0008780, MONDO:0016575, HP:0012265.

Allele frequency attached by ClinVar (database versions not stated): gnomAD exomes 0.00009 and 0.00017; ExAC 0.00016; gnomAD 0.00017 and 0.00018; TOPMed 0.00018; ESP Exome Variant Server 0.00031.
gnomAD v4.1: 166 of 1,613,346 alleles (0.01%); highest among the groups gnomAD compares: East Asian, 0.04%; no homozygotes.

Submissions (4):

Labcorp Genetics (formerly Invitae), Labcorp
Classification: Likely benign for Primary ciliary dyskinesia. Last evaluated: 2025-09-14. Review status: criteria provided, single submitter. Criteria: Invitae Variant Classification Sherloc (09022015). Collection method: clinical testing. Allele origin: germline.

GeneDx
Classification: Uncertain significance. Last evaluated: 2025-02-21. Review status: criteria provided, single submitter. Criteria: GeneDx Variant Classification Process June 2021. Collection method: clinical testing. Allele origin: germline. Affected: yes.
Comment: Reported without a second variant in individuals with primary ciliary dyskinesia in published literature (PMID: 18434704, 24498942); In silico analysis indicates that this missense variant does not alter protein structure/function; This variant is associated with the following publications: (PMID: 24498942, 34426522, 18434704)

Ambry Genetics
Classification: Likely benign for Primary ciliary dyskinesia. Last evaluated: 2024-09-20. Review status: criteria provided, single submitter. Criteria: Ambry Variant Classification Scheme 2023. Collection method: clinical testing. Allele origin: germline.

Counsyl
Classification: Uncertain significance for Kartagener syndrome. Last evaluated: 2017-05-09. Review status: no assertion criteria provided. Collection method: clinical testing. Allele origin: unknown. Not counted in ClinVar's aggregate classification.

Literature cited by the submitters: PubMed 24498942 (cited by Counsyl); PubMed 18434704 (cited by Counsyl).